The following is an entry in ClinVar:

NM_001204.7(BMPR2):c.1206del (p.Lys402fs)

Gene: BMPR2 (bone morphogenetic protein receptor type 2; plus strand). Cytogenetic location: 2q33.2.
Variant type: Deletion.
Coding change: c.1206del on transcript NM_001204.7 (MANE Select); coding-DNA position 1206, one base deleted (A; older notation c.1206delA).
Protein change: p.Lys402fs; shifts the reading frame from lysine 402.
Molecular consequence: frameshift variant.
Genome position (GRCh38, 1-based): chr2:202,532,662, A deleted; the last of 3 consecutive A bases (chr2:202,532,660-202,532,662); deleting any one gives the same sequence. VCF-style (leftmost placement, unchanged base first): chr2-202532659-GA-G. GRCh37 (hg19) VCF-style: chr2-203397382-GA-G.
Other names: short protein forms K402fs.
Identifiers: ClinVar variation 1073354 (VCV001073354.7), dbSNP rs2106020004, ClinGen allele CA2499215575.

ClinVar aggregate classification (germline): Pathogenic (1 of 4 stars; one submission).

Conditions:
Primary pulmonary hypertension. Also called: Idiopathic pulmonary hypertension. Identifiers: MedGen C0152171.

Submission:

Labcorp Genetics (formerly Invitae), Labcorp
Classification: Pathogenic for Primary pulmonary hypertension. Last evaluated: 2020-02-01. Review status: criteria provided, single submitter. Criteria: Invitae Variant Classification Sherloc (09022015). Collection method: clinical testing. Allele origin: germline.
Comment: For these reasons, this variant has been classified as Pathogenic. Loss-of-function variants in BMPR2 are known to be pathogenic (PMID: 16429395). This variant has not been reported in the literature in individuals with BMPR2-related conditions. This sequence change creates a premature translational stop signal (p.Lys402Asnfs*3) in the BMPR2 gene. It is expected to result in an absent or disrupted protein product. This variant is not present in population databases (ExAC no frequency).

Literature cited by the submitters: PubMed 16429395.